The following is an entry in ClinVar:

NM_014049.5(ACAD9):c.1750_1753del (p.Gln585fs)

Genes: CFAP92 (cilia and flagella associated protein 92 (putative); minus strand), ACAD9 (acyl-CoA dehydrogenase family member 9; plus strand). Cytogenetic location: 3q21.3.
Variant type: Microsatellite.
Coding change: c.1750_1753del on transcript NM_014049.5 (MANE Select); coding-DNA positions 1750 to 1753, 4 bases deleted (TCTC; older notation c.1750_1753delTCTC).
Protein change: p.Gln585fs; shifts the reading frame from glutamine 585.
Molecular consequence: frameshift variant. On other transcripts: non-coding transcript variant (1), intron variant (3).
Genome position (GRCh38, 1-based): chr3:128,910,798-128,910,801, TCTC deleted; deleting any 4 consecutive bases within chr3:128,910,795-128,910,801 gives the same sequence; the c. name uses the placement nearest the transcript's 3' end. VCF-style (leftmost placement, unchanged base first): chr3-128910794-CCTCT-C. GRCh37 (hg19) VCF-style: chr3-128629637-CCTCT-C.
Other names: c.1381_1384del, p.Gln462fs (NM_001410805.1); c.2312-465_2312-462del (NM_001348521.2); c.2408-465_2408-462del (NM_001348520.2); c.3281-465_3281-462del (NM_001394090.1); short protein forms Q585fs, Q462fs.
Identifiers: ClinVar variation 1909455 (VCV001909455.7), dbSNP rs1559834691, ClinGen allele CA546183620.

ClinVar aggregate classification (germline): Pathogenic/Likely pathogenic. Review status: criteria provided, multiple submitters, no conflicts (2 of 4 stars). 3 submissions from 3 submitters: Pathogenic (1); Likely pathogenic (2). Last evaluated 2024-04-26.

Conditions:
Acyl-CoA dehydrogenase 9 deficiency. Also called: Acyl-CoA dehydrogenase family, member 9, deficiency of; MITOCHONDRIAL COMPLEX I DEFICIENCY, NUCLEAR TYPE 20. Identifiers: Orphanet 99901, MedGen C4747517, MONDO:0012624, OMIM 611126.

Submissions (3):

Fulgent Genetics
Classification: Likely pathogenic for Acyl-CoA dehydrogenase 9 deficiency. Last evaluated: 2024-04-26. Review status: criteria provided, single submitter. Criteria: ACMG Guidelines, 2015. Collection method: clinical testing. Allele origin: germline.

Baylor Genetics
Classification: Likely pathogenic for Acyl-CoA dehydrogenase 9 deficiency. Last evaluated: 2024-03-20. Review status: criteria provided, single submitter. Criteria: ACMG Guidelines, 2015. Collection method: clinical testing. Allele origin: unknown.

Labcorp Genetics (formerly Invitae), Labcorp
Classification: Pathogenic. Last evaluated: 2024-02-16. Review status: criteria provided, single submitter. Criteria: Invitae Variant Classification Sherloc (09022015). Collection method: clinical testing. Allele origin: germline.
Comment: This sequence change creates a premature translational stop signal (p.Gln585Trpfs*9) in the ACAD9 gene. While this is not anticipated to result in nonsense mediated decay, it is expected to disrupt the last 37 amino acid(s) of the ACAD9 protein. This variant is present in population databases (no rsID available, gnomAD 0.0009%). This variant has not been reported in the literature in individuals affected with ACAD9-related conditions. This variant disrupts a region of the ACAD9 protein in which other variant(s) (p.Pro616Ser) have been determined to be pathogenic (PMID: 25326637, 30831263). This suggests that this is a clinically significant region of the protein, and that variants that disrupt it are likely to be disease-causing. For these reasons, this variant has been classified as Pathogenic.

Literature cited by the submitters: PubMed 25326637 (cited by Labcorp Genetics (formerly Invitae), Labcorp); PubMed 30831263 (cited by Labcorp Genetics (formerly Invitae), Labcorp).